The following is an entry in ClinVar:

NM_001972.4(ELANE):c.583del (p.Ala195fs)

Gene: ELANE (elastase, neutrophil expressed; plus strand). Cytogenetic location: 19p13.3.
Variant type: Deletion.
Coding change: c.583del on transcript NM_001972.4 (MANE Select); coding-DNA position 583, one base deleted (G; older notation c.583delG).
Protein change: p.Ala195fs; shifts the reading frame from alanine 195.
Molecular consequence: frameshift variant.
Genome position (GRCh38, 1-based): chr19:855,780, G deleted; the last of 2 consecutive G bases (chr19:855,779-855,780); deleting either gives the same sequence. VCF-style (leftmost placement, unchanged base first): chr19-855778-AG-A. GRCh37 (hg19) VCF-style: chr19-855778-AG-A.
Other names: p.Ala195ProfsTer17; short protein forms A195fs.
Identifiers: ClinVar variation 3255594 (VCV003255594.2).

ClinVar aggregate classification (germline): Likely pathogenic (1 of 4 stars; one submission).

Conditions:
Neutropenia, severe congenital, 1, autosomal dominant. Identifiers: MedGen C1859966, MONDO:0042490, OMIM 202700.

Submission:

Breakthrough Genomics
Classification: Likely pathogenic for Neutropenia, severe congenital, 1, autosomal dominant. Last evaluated: 2020-09-09. Review status: criteria provided, single submitter. Criteria: ACMG Guidelines, 2015. Collection method: clinical testing. Allele origin: germline. Affected: yes.
Comment: This variant is predicted to cause a frameshift and consequent premature termination of the protein. Due to the introduction of a premature stop codon, this aberrant transcript will likely be targeted by the nonsense-mediated mRNA decay (NMD) mechanism [PMID: 15040442]. The variant seems to be a novel variant, as it has not been previously reported in population databases or in the literature. However, other truncating variants lying downstream of the variant, has been previously reported as ‘pathogenic’ in the ClinVar database context of cyclical neutropenia.